The following is an entry in ClinVar:

NM_001369.3(DNAH5):c.9554A>G (p.Tyr3185Cys)

Gene: DNAH5 (dynein axonemal heavy chain 5; minus strand). Cytogenetic location: 5p15.2.
Variant type: single nucleotide variant.
Coding change: c.9554A>G on transcript NM_001369.3 (MANE Select); coding-DNA position 9554, A replaced by G.
Protein change: p.Tyr3185Cys; replaces tyrosine 3185 with cysteine.
Molecular consequence: missense variant.
Genome position (GRCh38, 1-based): chr5:13,770,800, T>C on the plus strand (A>G on the coding strand, the complement: DNAH5 is on the minus strand). VCF-style: chr5-13770800-T-C. GRCh37 (hg19) VCF-style: chr5-13770909-T-C.
Other names: short protein forms Y3185C.
Identifiers: ClinVar variation 2630632 (VCV002630632.1), dbSNP rs974357356, ClinGen allele CA113932806.
Genomic context (GRCh38, chr5:13,770,800, plus strand): 5'-CACACTTACCTGTTGGCCAGGGTCCGCACCTCCACATGCTTTTCTCCATATATGAACTTA[T>C]AGCCCTGAATAAAGGAGAGGTATGATTTGGGCGTCACGTGGGTAGAACGTCGGAATCTCT-3'
Protein context (NP_001360.1, residues 3175-3195): PKSYLSFIQG[Tyr3185Cys]KFIYGEKHVE

ClinVar aggregate classification (germline): Uncertain significance (1 of 4 stars; one submission).

Conditions:
DNAH5-related disorder. Also called: DNAH5-related condition.

gnomAD v4.1: 2 of 1,614,080 alleles (0.00012%); highest among the groups gnomAD compares: Non-Finnish European, 0.000085%; no homozygotes.

Submission:

PreventionGenetics, part of Exact Sciences
Classification: Uncertain significance for DNAH5-related condition. Last evaluated: 2023-01-27. Review status: criteria provided, single submitter. Criteria: ACMG Guidelines, 2015. Collection method: clinical testing. Allele origin: germline.
Comment: The DNAH5 c.9554A>G variant is predicted to result in the amino acid substitution p.Tyr3185Cys. To our knowledge, this variant has not been reported in the literature or in a large population database, indicating this variant is rare. At this time, the clinical significance of this variant is uncertain due to the absence of conclusive functional and genetic evidence.